The following is an entry in ClinVar:

NM_001267550.2(TTN):c.80792dup (p.Ala26932fs)

Genes: TTN (titin; minus strand), TTN-AS1 (TTN antisense RNA 1; plus strand). Cytogenetic location: 2q31.2.
Variant type: Duplication.
Coding change: c.80792dup on transcript NM_001267550.2 (MANE Select); coding-DNA position 80792, one base duplicated (C; older notation c.80792dupC).
Protein change: p.Ala26932fs; shifts the reading frame from alanine 26932.
Molecular consequence: frameshift variant.
Genome position (GRCh38, 1-based): chr2:178,565,340, G duplicated on the plus strand (C on the coding strand, the reverse complement: TTN is on the minus strand). VCF-style (leftmost placement, unchanged base first): chr2-178565339-T-TG. GRCh37 (hg19) VCF-style: chr2-179430066-T-TG.
Other names: c.75869dup, p.Ala25291fs (NM_001256850.1); c.53597dup, p.Ala17867fs (NM_003319.4); c.73088dup, p.Ala24364fs (NM_133378.4); c.53972dup, p.Ala17992fs (NM_133432.3); c.54173dup, p.Ala18059fs (NM_133437.4); short protein forms A25291fs, A17992fs, A18059fs, A24364fs, A26932fs, A17867fs.
Identifiers: ClinVar variation 1490425 (VCV001490425.6), dbSNP rs2154164664, ClinGen allele CA2573134167.
Genomic context (GRCh38, chr2:178,565,339, plus strand): 5'-GGTGTATTTTCCAAAGTCATCTTTGTTACCTTCTTTAATGTGCAAAACAGTTGAGGTAGC[T>TG]GTTTCTTCAACGTTTACTCTTGTTGTCTGTTTAAGAGGCTCACCATCTTTGACCCAAGAA-3'

ClinVar aggregate classification (germline): Likely pathogenic (1 of 4 stars; one submission).

Conditions:
Dilated cardiomyopathy 1G (CMD1G). Identifiers: Orphanet 154, MedGen C1858763, MONDO:0011400, OMIM 604145.
Autosomal recessive limb-girdle muscular dystrophy type 2J (LGMDR10). Also called: Limb-girdle muscular dystrophy, type 2J; MUSCULAR DYSTROPHY, LIMB-GIRDLE, AUTOSOMAL RECESSIVE 10. Identifiers: Orphanet 140922, MedGen C1837342, MONDO:0012127, OMIM 608807.

Submission:

Labcorp Genetics (formerly Invitae), Labcorp
Classification: Likely pathogenic for Dilated cardiomyopathy 1G; Autosomal recessive limb-girdle muscular dystrophy type 2J. Last evaluated: 2021-08-18. Review status: criteria provided, single submitter. Criteria: Invitae Variant Classification Sherloc (09022015). Collection method: clinical testing. Allele origin: germline.
Comment: This variant is not present in population databases (ExAC no frequency). This variant has not been reported in the literature in individuals affected with TTN-related conditions. In summary, the currently available evidence indicates that the variant is pathogenic, but additional data are needed to prove that conclusively. Therefore, this variant has been classified as Likely Pathogenic. This sequence change creates a premature translational stop signal (p.Ala26932Serfs*9) in the TTN gene. While this is not anticipated to result in nonsense mediated decay, it is expected to create a truncated TTN protein. This variant is located in the A band of TTN (PMID: 25589632). Truncating variants in this region are significantly overrepresented in patients affected with dilated cardiomyopathy (PMID: 25589632). Truncating variants in this region have also been reported in individuals affected with autosomal recessive centronuclear myopathy (PMID: 23975875).

Literature cited by the submitters: PubMed 25589632; PubMed 23975875.